The following is an entry in ClinVar:

NM_001009996.3(DALRD3):c.238C>T (p.Pro80Ser)

Gene: DALRD3 (DALR anticodon binding domain containing 3; minus strand). Cytogenetic location: 3p21.31.
Variant type: single nucleotide variant.
Coding change: c.238C>T on transcript NM_001009996.3 (MANE Select); coding-DNA position 238, C replaced by T.
Protein change: p.Pro80Ser; replaces proline 80 with serine.
Molecular consequence: missense variant. On other transcripts: 5 prime UTR variant (1).
Genome position (GRCh38, 1-based): chr3:49,018,246, G>A on the plus strand (C>T on the coding strand, the complement: DALRD3 is on the minus strand). VCF-style: chr3-49018246-G-A. GRCh37 (hg19) VCF-style: chr3-49055679-G-A.
Other names: c.238C>T, p.Pro80Ser (NM_001276405.2); c.-264C>T (NM_018114.6); short protein forms P80S.
Identifiers: ClinVar variation 2571179 (VCV002571179.27), dbSNP rs1012175222, ClinGen allele CA74011343.

ClinVar aggregate classification (germline): Uncertain significance (1 of 4 stars; one submission).

Allele frequency attached by ClinVar (database versions not stated): gnomAD exomes 0.00001; gnomAD 0.00002.
gnomAD v4.1: 20 of 1,436,922 alleles (0.0014%); highest among the groups gnomAD compares: Non-Finnish European, 0.0016%; no homozygotes.

Submission:

CeGaT Center for Human Genetics Tuebingen
Classification: Uncertain significance. Last evaluated: 2026-04-01. Review status: criteria provided, single submitter. Criteria: CeGaT Center For Human Genetics Tuebingen Variant Classification Criteria Version 2. Collection method: clinical testing. Allele origin: germline. Affected: yes. Observed: 2 variant alleles.
Comment: DALRD3: PM2